The following is an entry in ClinVar:

ClinVar aggregate classification (germline): Uncertain significance (1 of 4 stars; one submission).

Allele frequency attached by ClinVar (database versions not stated): ExAC 0.00002; gnomAD 0.00002; TOPMed 0.00002.
gnomAD v4.1: 30 of 1,614,014 alleles (0.0019%); highest among the groups gnomAD compares: African/African-American, 0.0067%; no homozygotes.

Submission:

Labcorp Genetics (formerly Invitae), Labcorp
Classification: Uncertain significance. Last evaluated: 2022-06-08. Review status: criteria provided, single submitter. Criteria: Invitae Variant Classification Sherloc (09022015). Collection method: clinical testing. Allele origin: germline.
Comment: In summary, the available evidence is currently insufficient to determine the role of this variant in disease. Therefore, it has been classified as a Variant of Uncertain Significance. Algorithms developed to predict the effect of missense changes on protein structure and function output the following: SIFT: "Tolerated"; PolyPhen-2: "Benign"; Align-GVGD: "Class C0". The cysteine amino acid residue is found in multiple mammalian species, which suggests that this missense change does not adversely affect protein function. This variant has not been reported in the literature in individuals affected with VPS13C-related conditions. This variant is present in population databases (rs549846102, gnomAD 0.01%). This sequence change replaces tyrosine, which is neutral and polar, with cysteine, which is neutral and slightly polar, at codon 2247 of the VPS13C protein (p.Tyr2247Cys).

NM_020821.3(VPS13C):c.6740A>G (p.Tyr2247Cys)

Gene: VPS13C (vacuolar protein sorting 13 homolog C; minus strand). Cytogenetic location: 15q22.2.
Variant type: single nucleotide variant.
Coding change: c.6740A>G on transcript NM_020821.3 (MANE Select); coding-DNA position 6740, A replaced by G.
Protein change: p.Tyr2247Cys; replaces tyrosine 2247 with cysteine.
Molecular consequence: missense variant.
Genome position (GRCh38, 1-based): chr15:61,922,632, T>C on the plus strand (A>G on the coding strand, the complement: VPS13C is on the minus strand). VCF-style: chr15-61922632-T-C. GRCh37 (hg19) VCF-style: chr15-62214831-T-C.
Other names: c.6740A>G, p.Tyr2247Cys (NM_001018088.3); c.6611A>G, p.Tyr2204Cys (NM_017684.5, NM_018080.4); short protein forms Y2204C, Y2247C.
Identifiers: ClinVar variation 1932296 (VCV001932296.5), dbSNP rs549846102, ClinGen allele CA7595459.